The following is an entry in ClinVar:

ClinVar aggregate classification (germline): Uncertain significance (1 of 4 stars; one submission).

Allele frequency attached by ClinVar (database versions not stated): ExAC 0.00001; gnomAD 0.00001; TOPMed 0.00001.
gnomAD v4.1: 42 of 1,614,022 alleles (0.0026%); highest among the groups gnomAD compares: Non-Finnish European, 0.0035%; no homozygotes.

Submission:

Labcorp Genetics (formerly Invitae), Labcorp
Classification: Uncertain significance. Last evaluated: 2024-02-12. Review status: criteria provided, single submitter. Criteria: Invitae Variant Classification Sherloc (09022015). Collection method: clinical testing. Allele origin: germline.
Comment: This sequence change replaces arginine, which is basic and polar, with glutamine, which is neutral and polar, at codon 1071 of the ERBIN protein (p.Arg1071Gln). This variant is present in population databases (rs768018667, gnomAD 0.003%). This variant has not been reported in the literature in individuals affected with ERBIN-related conditions. ClinVar contains an entry for this variant (Variation ID: 2185120). An algorithm developed to predict the effect of missense changes on protein structure and function (PolyPhen-2) suggests that this variant is likely to be disruptive. In summary, the available evidence is currently insufficient to determine the role of this variant in disease. Therefore, it has been classified as a Variant of Uncertain Significance.

NM_001253697.2(ERBIN):c.3212G>A (p.Arg1071Gln)

Gene: ERBIN (erbb2 interacting protein; plus strand). Cytogenetic location: 5q12.3.
Variant type: single nucleotide variant.
Coding change: c.3212G>A on transcript NM_001253697.2 (MANE Select); coding-DNA position 3212, G replaced by A.
Protein change: p.Arg1071Gln; replaces arginine 1071 with glutamine.
Molecular consequence: missense variant.
Genome position (GRCh38, 1-based): chr5:66,054,530, G>A. VCF-style: chr5-66054530-G-A. GRCh37 (hg19) VCF-style: chr5-65350358-G-A.
Other names: c.3212G>A, p.Arg1071Gln (NM_001006600.3, NM_001253698.2, NM_001253699.2 and 1 more transcripts); c.3200G>A, p.Arg1067Gln (NM_001253701.2); short protein forms R1067Q, R1071Q.
Identifiers: ClinVar variation 2185120 (VCV002185120.4), dbSNP rs768018667, ClinGen allele CA3286610.